The following is an entry in ClinVar:

ClinVar aggregate classification (germline): Uncertain significance. Review status: criteria provided, multiple submitters, no conflicts (2 of 4 stars). 4 submissions from 4 submitters: Uncertain significance (4). Last evaluated 2024-01-11.

Conditions:
Long QT syndrome 2 (LQT2). Identifiers: Orphanet 101016, Orphanet 768, MedGen C3150943, MONDO:0013367, OMIM 613688.
Short QT syndrome type 1. Identifiers: Orphanet 51083, MedGen C1865020, MONDO:0012312, OMIM 609620.
Long QT syndrome (LQTS). Identifiers: MedGen C0023976, MeSH D008133, MONDO:0002442. Disease mechanism: loss of function. Inheritance: Various modes of inheritance.

Allele frequency attached by ClinVar (database versions not stated): TOPMed below 0.00001; gnomAD exomes 0.00001.
gnomAD v4.1: 22 of 1,534,412 alleles (0.0014%); highest among the groups gnomAD compares: Non-Finnish European, 0.0019%; no homozygotes.

Submissions (4):

All of Us Research Program, National Institutes of Health
Classification: Uncertain significance for Long QT syndrome. Last evaluated: 2024-01-11. Review status: criteria provided, single submitter. Criteria: ACMG Guidelines, 2015. Collection method: clinical testing. Allele origin: germline. Inheritance: Autosomal dominant inheritance. Observed: 1 variant allele, 1 heterozygote.
Comment: This study involves interpretation of variants in research participants for the purpose of population health screening. Participant phenotype was not available at the time of variant classification. Additional details can be found in publication PMID: 35346344, PMCID: PMC8962531

Victorian Clinical Genetics Services, Murdoch Childrens Research Institute
Classification: Uncertain significance for Long QT syndrome 2. Last evaluated: 2022-02-02. Review status: criteria provided, single submitter. Criteria: ACMG Guidelines, 2015. Collection method: clinical testing. Allele origin: germline. Inheritance: Autosomal dominant inheritance. Affected: yes.
Comment: Based on the classification scheme VCGS_Germline_v1.3.4, this variant is classified as VUS-3B. Following criteria are met: 0103 - Dominant negative and loss of function are known mechanisms of disease in this gene and are associated with Long QT syndrome 2 (MIM#613688). Gain of function is also a known mechanism associated with Short QT syndrome 1 (MIM#609620) (OMIM, PMID: 10753933; PMID: 21777565). (I) 0107 - This gene is associated with autosomal dominant disease. (I) 0112 - The condition associated with this gene has incomplete penetrance (PMID: 20301308). (I) 0200 - Variant is predicted to result in a missense amino acid change from glycine to glutamic acid. (I) 0251 - This variant is heterozygous. (I) 0302 - Variant is present in gnomAD (v2) <0.001 for a dominant condition (1 heterozygote, 0 homozygotes). (SP) 0309 - An alternative amino acid change at the same position has been observed in gnomAD (v3) (1 heterozygote, 0 homozygotes). (I) 0502 - Missense variant with conflicting in silico predictions and uninformative conservation. (I) 0600 - Variant is located in the annotated C-terminal domain (UniProt). (I) 0705 - No comparable missense variants have previous evidence for pathogenicity. (I) 0809 - Previous evidence of pathogenicity for this variant is inconclusive. This variant has one VUS entry in ClinVar. (I) 0905 - No published segregation evidence has been identified for this variant. (I) 1007 - No published functional evidence has been identified for this variant. (I) 1208 - Inheritance information for this variant is not currently available in this individual. (I) Legend: (SP) - Supporting pathogenic, (I) - Information, (SB) - Supporting benign

Labcorp Genetics (formerly Invitae), Labcorp
Classification: Uncertain significance for Long QT syndrome. Last evaluated: 2021-09-02. Review status: criteria provided, single submitter. Criteria: Invitae Variant Classification Sherloc (09022015). Collection method: clinical testing. Allele origin: germline.
Comment: This sequence change replaces glycine with glutamic acid at codon 928 of the KCNH2 protein (p.Gly928Glu). The glycine residue is weakly conserved and there is a moderate physicochemical difference between glycine and glutamic acid. The frequency data for this variant in the population databases is considered unreliable, as metrics indicate insufficient coverage at this position in the ExAC database. This variant has not been reported in the literature in individuals affected with KCNH2-related conditions. Algorithms developed to predict the effect of missense changes on protein structure and function (SIFT, PolyPhen-2, Align-GVGD) all suggest that this variant is likely to be tolerated. In summary, the available evidence is currently insufficient to determine the role of this variant in disease. Therefore, it has been classified as a Variant of Uncertain Significance.

Fulgent Genetics
Classification: Uncertain significance for Short QT syndrome type 1; Long QT syndrome 2. Last evaluated: 2021-08-26. Review status: criteria provided, single submitter. Criteria: ACMG Guidelines, 2015. Collection method: clinical testing. Allele origin: unknown.

Literature cited by the submitters: PubMed 10753933 (cited by Victorian Clinical Genetics Services, Murdoch Childrens Research Institute); PubMed 20301308 (cited by Victorian Clinical Genetics Services, Murdoch Childrens Research Institute); PubMed 21777565 (cited by Victorian Clinical Genetics Services, Murdoch Childrens Research Institute).

NM_000238.4(KCNH2):c.2783G>A (p.Gly928Glu)

Gene: KCNH2 (potassium voltage-gated channel subfamily H member 2; minus strand). Cytogenetic location: 7q36.1.
Variant type: single nucleotide variant.
Coding change: c.2783G>A on transcript NM_000238.4 (MANE Select); coding-DNA position 2783, G replaced by A.
Protein change: p.Gly928Glu; replaces glycine 928 with glutamic acid.
Molecular consequence: missense variant.
Genome position (GRCh38, 1-based): chr7:150,947,788, C>T on the plus strand (G>A on the coding strand, the complement: KCNH2 is on the minus strand). VCF-style: chr7-150947788-C-T. GRCh37 (hg19) VCF-style: chr7-150644876-C-T.
Other names: c.1763G>A, p.Gly588Glu (NM_172057.3); short protein forms G588E, G928E.
Identifiers: ClinVar variation 850359 (VCV000850359.8), dbSNP rs1339223823, ClinGen allele CA369853415.
Genomic context (GRCh38, chr7:150,947,788, plus strand): 5'-CGGCCTGGGCCCTCATCCTCACTGCTCTCAGGGCTGGAGGGGCCACTGGACGGGCTCTCC[C>T]CCCACGGCCCCCCCGGCCGGCCCCGGCTACTCGGCCCTGCCCCCGCCCGGCCCGGCCCCA-3'
Protein context (NP_000229.1, residues 918-938): SSRGRPGGPW[Gly928Glu]ESPSSGPSSP